The following is an entry in ClinVar:

ClinVar aggregate classification (germline): Likely benign. Review status: criteria provided, multiple submitters, no conflicts (2 of 4 stars). 7 submissions from 6 submitters: Likely benign (7). Last evaluated 2025-11-18.

Conditions:
Cardiovascular phenotype. Identifiers: MedGen CN230736.
RASopathy. Also called: rasopathies; Noonan spectrum disorder. Identifiers: Orphanet 536391, MedGen C5555857, MONDO:0021060.
Noonan syndrome 4 (NS4). Also called: NOONAN SYNDROME WITH PIGMENTED VILLONODULAR SYNOVITIS; SOS1-Related Noonan Syndrome. Identifiers: Orphanet 648, MedGen C1853120, MONDO:0012547, OMIM 610733.
Fibromatosis, gingival, 1 (GINGF1). Identifiers: Orphanet 2024, MedGen C4551558, MONDO:0007609, OMIM 135300.

Allele frequency attached by ClinVar (database versions not stated): ExAC 0.00001; gnomAD 0.00001; gnomAD exomes 0.00001; TOPMed 0.00003.
gnomAD v4.1: 7 of 1,605,612 alleles (0.00044%); highest among the groups gnomAD compares: African/African-American, 0.004%; no homozygotes.

Submissions (7):

Ambry Genetics
Classification: Likely benign for Cardiovascular phenotype. Last evaluated: 2025-11-18. Review status: criteria provided, single submitter. Criteria: Ambry Variant Classification Scheme 2023. Collection method: clinical testing. Allele origin: germline.

Labcorp Genetics (formerly Invitae), Labcorp
Classification: Likely benign for RASopathy. Last evaluated: 2025-09-16. Review status: criteria provided, single submitter. Criteria: Invitae Variant Classification Sherloc (09022015). Collection method: clinical testing. Allele origin: germline.

Blueprint Genetics
Classification: Likely benign. Last evaluated: 2024-10-21. Review status: criteria provided, single submitter. Criteria: ACMG Guidelines, 2015. Collection method: clinical testing. Allele origin: germline.

Women's Health and Genetics/Laboratory Corporation of America, LabCorp
Classification: Likely benign. Last evaluated: 2022-04-25. Review status: criteria provided, single submitter. Criteria: LabCorp Variant Classification Summary - May 2015. Collection method: clinical testing. Allele origin: germline.
Comment: Variant summary: SOS1 c.2604T>C alters a conserved nucleotide resulting in a synonymous change. 4/4 computational tools predict no significant impact on normal splicing. However, these predictions have yet to be confirmed by functional studies. The variant allele was found at a frequency of 8e-06 in 251156 control chromosomes. The available data on variant occurrences in the general population are insufficient to allow any conclusion about variant significance. To our knowledge, no occurrence of c.2604T>C in individuals affected with Noonan Syndrome and no experimental evidence demonstrating its impact on protein function have been reported. One clinical diagnostic laboratory has submitted clinical-significance assessments for this variant to ClinVar after 2014 without evidence for independent evaluation. One laboratory classified the variant as likely benign. Based on the evidence outlined above, the variant was classified as likely benign.

Fulgent Genetics
Classification: Likely benign for Fibromatosis, gingival, 1; Noonan syndrome 4. Last evaluated: 2021-10-28. Review status: criteria provided, single submitter. Criteria: ACMG Guidelines, 2015. Collection method: clinical testing. Allele origin: unknown.

Genome-Nilou Lab
Classification: Likely benign for Noonan syndrome 4. Review status: criteria provided, single submitter. Criteria: ACMG Guidelines, 2015. Collection method: clinical testing. Allele origin: germline.

Genome-Nilou Lab
Classification: Likely benign for Fibromatosis, gingival, 1. Review status: criteria provided, single submitter. Criteria: ACMG Guidelines, 2015. Collection method: clinical testing. Allele origin: germline.

NM_005633.4(SOS1):c.2604T>C (p.Phe868=)

Gene: SOS1 (SOS Ras/Rac guanine nucleotide exchange factor 1; minus strand). Cytogenetic location: 2p22.1.
Variant type: single nucleotide variant.
Coding change: c.2604T>C on transcript NM_005633.4 (MANE Select); coding-DNA position 2604, T replaced by C.
Protein change: p.Phe868=; no amino-acid change (phenylalanine 868 retained).
Molecular consequence: synonymous variant.
Genome position (GRCh38, 1-based): chr2:39,007,100, A>G on the plus strand (T>C on the coding strand, the complement: SOS1 is on the minus strand). VCF-style: chr2-39007100-A-G. GRCh37 (hg19) VCF-style: chr2-39234241-A-G.
Other names: c.2583T>C, p.Phe861= (NM_001382394.1); c.2604T>C, p.Phe868= (NM_001382395.1).
Identifiers: ClinVar variation 1116089 (VCV001116089.13), dbSNP rs756520305, ClinGen allele CA1624377.
Genomic context (GRCh38, chr2:39,007,100, plus strand): 5'-GTGGTCTAGTCTGTAAACAGGTGATGAATTCATAGCACTGACAACCTCAAGGACACCATT[A>G]AAGTTGTTCAACTCTTGAAAGACTTGTAGAATCTCAATAATTCGACTCACCACAGCTACT-3'
Protein context (NP_005624.2, residues 858-878): ILQVFQELNN[Phe868=]NGVLEVVSAM